The following is an entry in ClinVar:

NM_000548.5(TSC2):c.1049G>T (p.Arg350Met)

Gene: TSC2 (TSC complex subunit 2; plus strand). Cytogenetic location: 16p13.3.
Variant type: single nucleotide variant.
Coding change: c.1049G>T on transcript NM_000548.5 (MANE Select); coding-DNA position 1049, G replaced by T.
Protein change: p.Arg350Met; replaces arginine 350 with methionine.
Molecular consequence: missense variant. On other transcripts: 5 prime UTR variant (10), non-coding transcript variant (5).
Genome position (GRCh38, 1-based): chr16:2,060,743, G>T. VCF-style: chr16-2060743-G-T. GRCh37 (hg19) VCF-style: chr16-2110744-G-T.
Other names: c.938G>T, p.Arg313Met (NM_001406670.1, NM_001406678.1, NM_001318827.2); c.1037G>T, p.Arg346Met (NM_001406671.1, NM_001406673.1); c.902G>T, p.Arg301Met (NM_001406675.1, NM_001406676.1, NM_001406679.1 and 1 more transcripts); c.992G>T, p.Arg331Met (NM_001406677.1); c.449G>T, p.Arg150Met (NM_001406680.1, NM_001318831.2, NM_001406682.1 and 6 more transcripts); c.587G>T, p.Arg196Met (NM_001406681.1); c.1049G>T, p.Arg350Met (NM_001077183.3, NM_001114382.3, NM_001363528.2 and 6 more transcripts); c.1082G>T, p.Arg361Met (NM_001318832.2); and 4 more; short protein forms R380M, R331M, R350M, R196M, R301M, R313M, R346M, R361M.
Identifiers: ClinVar variation 5031415 (VCV005031415.1).
Genomic context (GRCh38, chr16:2,060,743, plus strand): 5'-CGAACGAGGTGGTGTCCTATGAGATCGTCCTGTCCATCACCAGGCTCATCAAGAAGTATA[G>T]GAAGGAGCTCCAGGTGGTGGCGTGGGACATTCTGCTGAACATCATCGAACGGCTCCTTCA-3'
Protein context (NP_000539.2, residues 340-360): LSITRLIKKY[Arg350Met]KELQVVAWDI

ClinVar aggregate classification (germline): Uncertain significance (1 of 4 stars; one submission).

Conditions:
Hereditary cancer-predisposing syndrome. Also called: Neoplastic Syndromes, Hereditary; Tumor predisposition; Hereditary neoplastic syndrome; Hereditary Cancer Syndrome. Identifiers: Orphanet 140162, MedGen C0027672, MeSH D009386, MONDO:0015356.

Submission:

Ambry Genetics
Classification: Uncertain significance for Hereditary cancer-predisposing syndrome. Last evaluated: 2026-09-12. Review status: criteria provided, single submitter. Criteria: Ambry Variant Classification Scheme 2023. Collection method: clinical testing. Allele origin: germline.
Comment: The p.R350M variant (also known as c.1049G>T), located in coding exon 10 of the TSC2 gene, results from a G to T substitution at nucleotide position 1049. The arginine at codon 350 is replaced by methionine, an amino acid with similar properties. This amino acid position is conserved. In addition, the in silico prediction for this alteration is inconclusive. Based on the available evidence, the clinical significance of this variant remains unclear.